The following is an entry in ClinVar:

NM_021625.5(TRPV4):c.1211G>A (p.Arg404His)

Gene: TRPV4 (transient receptor potential cation channel subfamily V member 4; minus strand). Cytogenetic location: 12q24.11.
Variant type: single nucleotide variant.
Coding change: c.1211G>A on transcript NM_021625.5 (MANE Select); coding-DNA position 1211, G replaced by A.
Protein change: p.Arg404His; replaces arginine 404 with histidine.
Molecular consequence: missense variant. On other transcripts: intron variant (2).
Genome position (GRCh38, 1-based): chr12:109,796,646, C>T on the plus strand (G>A on the coding strand, the complement: TRPV4 is on the minus strand). VCF-style: chr12-109796646-C-T. GRCh37 (hg19) VCF-style: chr12-110234451-C-T.
Other names: c.1070G>A, p.Arg357His (NM_001177428.2); c.1109G>A, p.Arg370His (NM_001177431.2); c.1011+1968G>A (NM_001177433.1); c.1152+1968G>A (NM_147204.2); short protein forms R404H, R357H, R370H.
Identifiers: ClinVar variation 307132 (VCV000307132.19), dbSNP rs377257364, ClinGen allele CA6780303.
Genomic context (GRCh38, chr12:109,796,646, plus strand): 5'-AGGGAGGAGAGGTCATAAAGCGAGGAATACACTGGCCCATAGGCCCAGTCCTTGAACTTG[C>T]GGGACAGGTGCCGTGTGTCCTCATCCGTCACCTCCCGCCGGATGATGTGCTGAAAGATCT-3'
Protein context (NP_067638.3, residues 394-414): VTDEDTRHLS[Arg404His]KFKDWAYGPV

ClinVar aggregate classification (germline): Conflicting classifications of pathogenicity. Review status: criteria provided, conflicting classifications (1 of 4 stars). 10 submissions from 5 submitters: Uncertain significance (4); Likely benign (6). Last evaluated 2025-09-14.

Conditions:
Metatropic dysplasia (MTD). Also called: Metatropic Dysplasia, TRPV4-Related; Metatropic dysplasia, nonlethal dominant; METATROPIC DWARFISM. Identifiers: Orphanet 2635, MedGen C0265281, MONDO:0007986, OMIM 156530.
Brachyrachia (short spine dysplasia) (BCYM3). Also called: Brachyolmia, TRPV4-Related; Brachyolmia Type 3; BRACHYRACHIA; Autosomal dominant brachyolmia. Identifiers: Orphanet 93304, MedGen C0432227, MONDO:0007232, OMIM 113500.
Scapuloperoneal spinal muscular atrophy (SPSMA). Also called: Scapuloperoneal Spinal Muscular Atrophy, TRPV4-Related; AMYOTROPHY, NEUROGENIC SCAPULOPERONEAL, NEW ENGLAND TYPE; Scapuloperoneal Form of Spinal Muscular Atrophy; Scapuloperoneal spinal muscular atrophy, autosomal dominant. Identifiers: Orphanet 431255, MedGen C0751335, MONDO:0008408, OMIM 181405.
Neuronopathy, distal hereditary motor, autosomal dominant 8. Also called: SPINAL MUSCULAR ATROPHY, CONGENITAL BENIGN, WITH CONTRACTURES; NEURONOPATHY, DISTAL HEREDITARY MOTOR, TYPE VIII; NEUROPATHY, DISTAL HEREDITARY MOTOR, TYPE VIII; Autosomal dominant congenital benign spinal muscular atrophy. Identifiers: Orphanet 1216, MedGen C1838492, MONDO:0010839, OMIM 600175.
Charcot-Marie-Tooth disease axonal type 2C (HMSN2C). Also called: Charcot-Marie-Tooth Disease Type 2, TRPV4-Related (CMT2C); CHARCOT-MARIE-TOOTH DISEASE, AXONAL, AUTOSOMAL DOMINANT, TYPE 2C; Charcot-Marie-Tooth Neuropathy Type 2C. Identifiers: Orphanet 99937, MedGen C1853710, MONDO:0011633, OMIM 606071.
Spondylometaphyseal dysplasia, Kozlowski type (SMDK). Also called: Spondylometaphyseal Dysplasia, TRPV4-Related (Kozlowski Type); Dysmorphism arthrogryposis skeletal maturation advanced; Jequier-Kozlowski syndrome; Skeletal dysplasia Jequier-Kozlowski type; SMD Kozlowski type. Identifiers: Orphanet 93314, MedGen C0265280, MONDO:0008477, OMIM 184252.

Allele frequency attached by ClinVar (database versions not stated): TOPMed 0.00001; gnomAD 0.00003; ESP Exome Variant Server 0.00008.
gnomAD v4.1: 43 of 1,614,158 alleles (0.0027%); highest among the groups gnomAD compares: Non-Finnish European, 0.0025%; no homozygotes.

Submissions (10):

Labcorp Genetics (formerly Invitae), Labcorp
Classification: Uncertain significance for Charcot-Marie-Tooth disease axonal type 2C. Last evaluated: 2025-09-14. Review status: criteria provided, single submitter. Criteria: Invitae Variant Classification Sherloc (09022015). Collection method: clinical testing. Allele origin: germline.
Comment: This sequence change replaces arginine, which is basic and polar, with histidine, which is basic and polar, at codon 404 of the TRPV4 protein (p.Arg404His). This variant is present in population databases (rs377257364, gnomAD 0.008%). This variant has not been reported in the literature in individuals affected with TRPV4-related conditions. ClinVar contains an entry for this variant (Variation ID: 307132). Invitae Evidence Modeling of protein sequence and biophysical properties (such as structural, functional, and spatial information, amino acid conservation, physicochemical variation, residue mobility, and thermodynamic stability) indicates that this missense variant is not expected to disrupt TRPV4 protein function with a negative predictive value of 95%. In summary, the available evidence is currently insufficient to determine the role of this variant in disease. Therefore, it has been classified as a Variant of Uncertain Significance.

Laboratory of Genetics, Children's Clinical University Hospital Latvia
Classification: Likely benign. Last evaluated: 2025-02-16. Review status: criteria provided, single submitter. Criteria: ACMG Guidelines, 2015. Collection method: clinical testing. Allele origin: germline. Affected: yes.

GeneDx
Classification: Uncertain significance. Last evaluated: 2019-08-19. Review status: criteria provided, single submitter. Criteria: GeneDx Variant Classification Process June 2021. Collection method: clinical testing. Allele origin: germline. Affected: yes.
Comment: In silico analysis, which includes protein predictors and evolutionary conservation, supports a deleterious effect; Has not been previously published as pathogenic or benign to our knowledge

Illumina Laboratory Services, Illumina
Classification: Likely benign for Scapuloperoneal spinal muscular atrophy. Last evaluated: 2018-01-12. Review status: criteria provided, single submitter. Criteria: ICSL Variant Classification Criteria 13 December 2019. Collection method: clinical testing. Allele origin: germline.
Comment: This variant was observed in the ICSL laboratory as part of a predisposition screen in an ostensibly healthy population. It had not been previously curated by ICSL or reported in the Human Gene Mutation Database (HGMD: prior to June 1st, 2018), and was therefore a candidate for classification through an automated scoring system. Utilizing variant allele frequency, disease prevalence and penetrance estimates, and inheritance mode, an automated score was calculated to assess if this variant is too frequent to cause the disease. Based on the score and internal cut-off values, a variant classified as likely benign is not then subjected to further curation. The score for this variant resulted in a classification of likely benign for this disease.

Illumina Laboratory Services, Illumina
Classification: Likely benign for Metatropic dysplasia. Last evaluated: 2018-01-12. Review status: criteria provided, single submitter. Criteria: ICSL Variant Classification Criteria 13 December 2019. Collection method: clinical testing. Allele origin: germline.
Comment: the same text as in the submission from Illumina Laboratory Services, Illumina above.

Illumina Laboratory Services, Illumina
Classification: Uncertain significance for Charcot-Marie-Tooth disease axonal type 2C. Last evaluated: 2018-01-12. Review status: criteria provided, single submitter. Criteria: ICSL Variant Classification Criteria 13 December 2019. Collection method: clinical testing. Allele origin: germline.

Illumina Laboratory Services, Illumina
Classification: Likely benign for Spondylometaphyseal dysplasia, Kozlowski type. Last evaluated: 2018-01-12. Review status: criteria provided, single submitter. Criteria: ICSL Variant Classification Criteria 13 December 2019. Collection method: clinical testing. Allele origin: germline.
Comment: the same text as in the submission from Illumina Laboratory Services, Illumina above.

Illumina Laboratory Services, Illumina
Classification: Likely benign for Neuronopathy, distal hereditary motor, autosomal dominant 8. Last evaluated: 2018-01-12. Review status: criteria provided, single submitter. Criteria: ICSL Variant Classification Criteria 13 December 2019. Collection method: clinical testing. Allele origin: germline.
Comment: the same text as in the submission from Illumina Laboratory Services, Illumina above.

Illumina Laboratory Services, Illumina
Classification: Likely benign for Brachyrachia (short spine dysplasia). Last evaluated: 2018-01-12. Review status: criteria provided, single submitter. Criteria: ICSL Variant Classification Criteria 13 December 2019. Collection method: clinical testing. Allele origin: germline.
Comment: the same text as in the submission from Illumina Laboratory Services, Illumina above.

Eurofins Ntd Llc (ga)
Classification: Uncertain significance. Last evaluated: 2017-02-28. Review status: criteria provided, single submitter. Criteria: EGL Classification Definitions 2015. Collection method: clinical testing. Allele origin: germline. Observed: 1 variant allele, 1 heterozygote.